The following is an entry in ClinVar:

NM_018117.12(WDR11):c.3553C>T (p.Arg1185Trp)

Gene: WDR11 (WD repeat domain 11; plus strand). Cytogenetic location: 10q26.12.
Variant type: single nucleotide variant.
Coding change: c.3553C>T on transcript NM_018117.12 (MANE Select); coding-DNA position 3553, C replaced by T.
Protein change: p.Arg1185Trp; replaces arginine 1185 with tryptophan.
Molecular consequence: missense variant.
Genome position (GRCh38, 1-based): chr10:120,908,591, C>T. VCF-style: chr10-120908591-C-T. GRCh37 (hg19) VCF-style: chr10-122668103-C-T.
Other names: short protein forms R1185W.
Identifiers: ClinVar variation 1306011 (VCV001306011.4), dbSNP rs374474111, ClinGen allele CA5720382.

ClinVar aggregate classification (germline): Uncertain significance. Review status: criteria provided, multiple submitters, no conflicts (2 of 4 stars). 3 submissions from 3 submitters: Uncertain significance (3). Last evaluated 2024-03-20.

Conditions:
Hypogonadotropic hypogonadism 14 with or without anosmia (HH14). Also called: HYPOGONADOTROPIC HYPOGONADISM 14 WITHOUT ANOSMIA. Identifiers: Orphanet 478, MedGen C3540450, MONDO:0013926, OMIM 614858.
Hypogonadotropic hypogonadism 7 with or without anosmia (HH7). Also called: GNRHR-Related GnRH Deficiency; HYPOGONADOTROPIC HYPOGONADISM 7 WITHOUT ANOSMIA. Identifiers: Orphanet 432, MedGen C0342384, MONDO:0007794, OMIM 146110.
Intellectual developmental disorder, autosomal recessive 78 (MRT78). Identifiers: MedGen C5830269, MONDO:0859373, OMIM 620237.
Inborn genetic diseases. Identifiers: MedGen C0950123, MeSH D030342.

Allele frequency attached by ClinVar (database versions not stated): gnomAD exomes 0.00001 and 0.00004; ExAC 0.00003; ESP Exome Variant Server 0.00008.
gnomAD v4.1: 27 of 1,614,032 alleles (0.0017%); highest among the groups gnomAD compares: Admixed American, 0.017%; no homozygotes.

Submissions (3):

Ambry Genetics
Classification: Uncertain significance for Inborn genetic diseases. Last evaluated: 2024-03-20. Review status: criteria provided, single submitter. Criteria: Ambry Variant Classification Scheme 2023. Collection method: clinical testing. Allele origin: germline.

Department of Pathology and Laboratory Medicine, Sinai Health System
Classification: Uncertain significance for Hypogonadotropic hypogonadism 7 with or without anosmia; Hypogonadotropic hypogonadism 14 with or without anosmia; Intellectual developmental disorder, autosomal recessive 78. Last evaluated: 2021-07-30. Review status: criteria provided, single submitter. Criteria: ACMG Guidelines, 2015. Collection method: research. Allele origin: germline.

GeneDx
Classification: Uncertain significance. Last evaluated: 2019-05-20. Review status: criteria provided, single submitter. Criteria: GeneDx Variant Classification Process June 2021. Collection method: clinical testing. Allele origin: germline. Affected: yes.
Comment: In silico analysis, which includes protein predictors and evolutionary conservation, supports a deleterious effect; Has not been previously published as pathogenic or benign to our knowledge